The following is an entry in ClinVar:

NM_000500.9(CYP21A2):c.1226G>T (p.Arg409Leu)

Genes: CYP21A2 (cytochrome P450 family 21 subfamily A member 2; plus strand), LOC106780800 (CYP21A2 recombination region; plus strand). Cytogenetic location: 6p21.33.
Variant type: single nucleotide variant.
Coding change: c.1226G>T on transcript NM_000500.9 (MANE Select); coding-DNA position 1226, G replaced by T.
Protein change: p.Arg409Leu; replaces arginine 409 with leucine.
Molecular consequence: missense variant.
Genome position (GRCh38, 1-based): chr6:32,040,872, G>T. VCF-style: chr6-32040872-G-T. GRCh37 (hg19) VCF-style: chr6-32008649-G-T.
Other names: c.1136G>T, p.Arg379Leu (NM_001128590.4); c.821G>T, p.Arg274Leu (NM_001368143.2, NM_001368144.2); short protein forms R274L, R379L, R409L.
Identifiers: ClinVar variation 3030523 (VCV003030523.2), dbSNP rs1351045983, ClinGen allele CA363511665.

ClinVar aggregate classification (germline): Pathogenic (0 of 4 stars; one submission).

Conditions:
CYP21A2-related disorder. Also called: CYP21A2-related condition.

Submission:

PreventionGenetics, part of Exact Sciences
Classification: Pathogenic for CYP21A2-related condition. Last evaluated: 2023-12-13. Review status: no assertion criteria provided. Collection method: clinical testing. Allele origin: germline.
Comment: The CYP21A2 c.1226G>T variant is predicted to result in the amino acid substitution p.Arg409Leu. This variant has not been reported in a large population database, indicating this variant is rare. This variant falls within a highly paralogous region. Allele frequency data should be interpreted with caution. Likely not originated from the pseudogene CYP21A1P, this rare variant has been reported to be associated with salt-wasting (SW) congenital adrenal hyperplasia (CAH) likely due to the extensive loss of hydrogen bonds and then destabilized structural elements of the enzyme (also known as R408L; Yu et al. 2011. PubMed ID: 21198393; Haider et al. 2013. PubMed ID: 23359706). Of note, other substitutions at the same codon have been reported to be pathogenic for CAH (see for example, Haider et al. 2013. PubMed ID: 23359706). This variant is interpreted as pathogenic.